The following is an entry in ClinVar:

ClinVar aggregate classification (germline): Uncertain significance (1 of 4 stars; one submission).

Allele frequency attached by ClinVar (database versions not stated): gnomAD exomes below 0.00001 and 0.00002; ExAC 0.00002.
gnomAD v4.1: 6 of 1,602,440 alleles (0.00037%); highest among the groups gnomAD compares: Admixed American, 0.0067%; no homozygotes.

Submission:

Labcorp Genetics (formerly Invitae), Labcorp
Classification: Uncertain significance. Last evaluated: 2022-08-31. Review status: criteria provided, single submitter. Criteria: Invitae Variant Classification Sherloc (09022015). Collection method: clinical testing. Allele origin: germline.
Comment: This sequence change replaces methionine, which is neutral and non-polar, with valine, which is neutral and non-polar, at codon 52 of the GNPAT protein (p.Met52Val). This variant is present in population databases (rs774369024, gnomAD 0.01%). This variant has not been reported in the literature in individuals affected with GNPAT-related conditions. ClinVar contains an entry for this variant (Variation ID: 1441553). Algorithms developed to predict the effect of missense changes on protein structure and function (SIFT, PolyPhen-2, Align-GVGD) all suggest that this variant is likely to be tolerated. Algorithms developed to predict the effect of sequence changes on RNA splicing suggest that this variant may create or strengthen a splice site. In summary, the available evidence is currently insufficient to determine the role of this variant in disease. Therefore, it has been classified as a Variant of Uncertain Significance.

NM_014236.4(GNPAT):c.154A>G (p.Met52Val)

Gene: GNPAT (glyceronephosphate O-acyltransferase; plus strand). Cytogenetic location: 1q42.2.
Variant type: single nucleotide variant.
Coding change: c.154A>G on transcript NM_014236.4 (MANE Select); coding-DNA position 154, A replaced by G.
Protein change: p.Met52Val; replaces methionine 52 with valine.
Molecular consequence: missense variant. On other transcripts: intron variant (1).
Genome position (GRCh38, 1-based): chr1:231,251,036, A>G. VCF-style: chr1-231251036-A-G. GRCh37 (hg19) VCF-style: chr1-231386782-A-G.
Other names: c.79-9471A>G (NM_001316350.2); short protein forms M52V.
Identifiers: ClinVar variation 1441553 (VCV001441553.3), dbSNP rs774369024, ClinGen allele CA1451740.